The following is an entry in ClinVar:

ClinVar aggregate classification (germline): Uncertain significance (1 of 4 stars; one submission).

Conditions:
Cardiovascular phenotype. Identifiers: MedGen CN230736.

Submission:

Ambry Genetics
Classification: Uncertain significance for Cardiovascular phenotype. Last evaluated: 2025-05-03. Review status: criteria provided, single submitter. Criteria: Ambry Variant Classification Scheme 2023. Collection method: clinical testing. Allele origin: germline.
Comment: The p.N112K variant (also known as c.336C>G), located in coding exon 5 of the CALM3 gene, results from a C to G substitution at nucleotide position 336. The asparagine at codon 112 is replaced by lysine, an amino acid with similar properties. This amino acid position is conserved. In addition, this alteration is predicted to be tolerated by in silico analysis. Based on the available evidence, the clinical significance of this variant remains unclear.

NM_005184.4(CALM3):c.336C>G (p.Asn112Lys)

Gene: CALM3 (calmodulin 3; plus strand). Cytogenetic location: 19q13.32.
Variant type: single nucleotide variant.
Coding change: c.336C>G on transcript NM_005184.4 (MANE Select); coding-DNA position 336, C replaced by G.
Protein change: p.Asn112Lys; replaces asparagine 112 with lysine.
Molecular consequence: missense variant.
Genome position (GRCh38, 1-based): chr19:46,608,896, C>G. VCF-style: chr19-46608896-C-G. GRCh37 (hg19) VCF-style: chr19-47112153-C-G.
Other names: c.228C>G, p.Asn76Lys (NM_001329921.1, NM_001329923.1, NM_001329924.2 and 2 more transcripts); c.336C>G, p.Asn112Lys (NM_001329922.1); short protein forms N76K, N112K.
Identifiers: ClinVar variation 3994837 (VCV003994837.1).